The following is an entry in ClinVar:

NM_000520.6(HEXA):c.947dup (p.Tyr316Ter)

Gene: HEXA (hexosaminidase subunit alpha; minus strand). Cytogenetic location: 15q23.
Variant type: Duplication.
Coding change: c.947dup on transcript NM_000520.6 (MANE Select); coding-DNA position 947, one base duplicated (A; older notation c.947dupA).
Protein change: p.Tyr316Ter; replaces tyrosine 316 with a stop codon.
Molecular consequence: nonsense. On other transcripts: non-coding transcript variant (1).
Genome position (GRCh38, 1-based): chr15:72,349,118, T duplicated on the plus strand (A on the coding strand, the reverse complement: HEXA is on the minus strand). VCF-style (leftmost placement, unchanged base first): chr15-72349117-A-AT. GRCh37 (hg19) VCF-style: chr15-72641458-A-AT.
Other names: c.947dupA (NM_000520.5); c.980dup, p.Tyr327Ter (NM_001318825.2); short protein forms Y327*, Y316*.
Identifiers: ClinVar variation 188855 (VCV000188855.4), dbSNP rs786204515, ClinGen allele CA274045.
Genomic context (GRCh38, chr15:72,349,117, plus strand): 5'-GGGAAGATCAAAGGGCTCATACCAGCAGGTGAAATCAACCTCATCTCCTCCAAGATGAAG[A>AT]TAAAAATCTGGGAAGACAGAGCTGACTTCTAAGAAGAATGTGCTCATGAACTCATAGGTA-3'

ClinVar aggregate classification (germline): Pathogenic. Review status: criteria provided, single submitter (1 of 4 stars). 2 submissions from 2 submitters: Pathogenic (1). 1 of the submissions does not count toward it. Last evaluated 2025-08-08.

Conditions:
Tay-Sachs disease (TSD). Also called: HEXA DEFICIENCY; GM2 gangliosidosis, type 1; Hexosaminidase alpha-subunit deficiency (variant B); Sphingolipidosis, Tay-Sachs; Hexosaminidase A Deficiency; HEXA Disorders. Identifiers: Orphanet 845, MedGen C0039373, MONDO:0010100, OMIM 272800.

Allele frequency attached by ClinVar (database versions not stated): gnomAD exomes below 0.00001.

Submissions (2):

Natera, Inc.
Classification: Pathogenic for Tay-Sachs disease. Last evaluated: 2025-08-08. Review status: criteria provided, single submitter. Criteria: Natera Variant Classification Schema (03/2026). Collection method: clinical testing. Allele origin: germline.
Comment: The c.947dupA variant in HEXA is a frameshift variant predicted to shift the reading frame and introduce a stop codon. This variant is expected to result in nonsense mediated decay, truncation, or a dysfunctional protein product. This variant is rare in the general population with a frequency below the threshold expected for the associated phenotype(s). This variant has been observed in one or more individuals affected with the associated recessive disease, as either homozygous or compound heterozygous with a second variant (PMID: 34800199, 16088929). Given the available evidence, this variant is classified as Pathogenic.

Counsyl
Classification: Likely pathogenic for Tay-Sachs disease. Last evaluated: 2014-06-27. Review status: no assertion criteria provided. Collection method: literature only. Allele origin: unknown. Inheritance: Autosomal recessive inheritance. Not counted in ClinVar's aggregate classification.

Literature cited by the submitters: PubMed 34800199 (cited by Natera, Inc.); PubMed 16088929 (cited by Natera, Inc. and Counsyl).